The following is an entry in ClinVar:

ClinVar aggregate classification (germline): Pathogenic (1 of 4 stars; one submission).

Conditions:
Intellectual developmental disorder, autosomal recessive 65. Also called: Intellectual disability, autosomal recessive 65; MENTAL RETARDATION, AUTOSOMAL RECESSIVE 65. Identifiers: MedGen C4748219, MONDO:0020850, OMIM 618109.

Submission:

Victorian Clinical Genetics Services, Murdoch Childrens Research Institute
Classification: Pathogenic for Intellectual developmental disorder, autosomal recessive 65. Last evaluated: 2021-05-06. Review status: criteria provided, single submitter. Criteria: ACMG Guidelines, 2015. Collection method: clinical testing. Allele origin: germline.
Comment: Based on the classification scheme VCGS_Germline_v1.3.4, this variant is classified as Pathogenic. Following criteria are met: 0102 - Loss of function is a known mechanism of disease in this gene and is associated with KDM5B-related intellectual disability (MIM#618109). (I) 0108 - This gene is associated with both recessive and dominant disease. Individuals with biallelic variants have been reported with intellectual disability and dysmorphism. Heterozygous individuals with generally de novo variants have also been reported, with non-syndromic intellectual disability and/or autistic features (PMID: 29276005, PMID: 30217758, PMID: 30409806). (I) 0112 - The condition associated with this gene has suspected incomplete penetrance. While the recessive condition is fully penetrance, incomplete penetrance has been suggested for the autosomal dominant condition (PMID: 30409806). (I) 0201 - Variant is predicted to cause nonsense-mediated decay (NMD) and loss of protein (premature termination codon is located at least 54 nucleotides upstream of the final exon-exon junction). (SP) 0251 - This variant is heterozygous. (I) 0301 - Variant is absent from gnomAD (both v2 and v3). (SP) 0701 - Other NMD-predicted variants comparable to the one identified in this case have very strong previous evidence for pathogenicity. These variants have been reported as pathogenic, likely pathogenic and as VUS (Decipher, ClinVar), in individuals with intellectual disability, autism spectrum disorder with/without dysmorphic features. Individuals heterozygous for these variants had either inherited the variant from an unaffected or mildly affected parent, or the variant arose de novo (PMID: 29276005, PMID: 30217758, PMID: 30409806). (SP) 0807 - This variant has no previous evidence of pathogenicity. (I) 0905 - No published segregation evidence has been identified for this variant. (I) 1007 - No published functional evidence has been identified for this variant. (SP) Legend: (SP) - Supporting pathogenic, (I) - Information, (SB) - Supporting benign

Literature cited by the submitters: PubMed 29276005; PubMed 30217758; PubMed 30409806.

NM_006618.5(KDM5B):c.2117del (p.Cys706fs)

Gene: KDM5B (lysine demethylase 5B; minus strand). Cytogenetic location: 1q32.1.
Variant type: Deletion.
Coding change: c.2117del on transcript NM_006618.5 (MANE Select); coding-DNA position 2117, one base deleted (G; older notation c.2117delG).
Protein change: p.Cys706fs; shifts the reading frame from cysteine 706.
Molecular consequence: frameshift variant.
Genome position (GRCh38, 1-based): chr1:202,746,223, C deleted on the plus strand (G on the coding strand, the reverse complement: KDM5B is on the minus strand). VCF-style (leftmost placement, unchanged base first): chr1-202746222-AC-A. GRCh37 (hg19) VCF-style: chr1-202715350-AC-A.
Other names: c.2117delG (NM_006618.4); c.2225del, p.Cys742fs (NM_001314042.2); c.1982del, p.Cys661fs (NM_001347591.2); c.2102del, p.Cys701fs (NM_001399817.1); short protein forms C661fs, C701fs, C706fs, C742fs.
Identifiers: ClinVar variation 2500707 (VCV002500707.2), dbSNP rs2527486492, ClinGen allele CA1139771245.